The following is an entry in ClinVar:

ClinVar aggregate classification (germline): Uncertain significance. Review status: criteria provided, multiple submitters, no conflicts (2 of 4 stars). 4 submissions from 4 submitters: Uncertain significance (3). 1 of the submissions does not count toward it. Last evaluated 2025-08-11.

Conditions:
Classic homocystinuria. Also called: Homocystinuria due to CBS deficiency; Cystathionine beta-synthase deficiency; CBS deficiency; HOMOCYSTINURIA WITH OR WITHOUT RESPONSE TO PYRIDOXINE; Homocystinuria due to Cystathionine Beta-Synthase Deficiency. Identifiers: Orphanet 394, MedGen C0751202, MONDO:0009352, OMIM 236200.
Familial thoracic aortic aneurysm and aortic dissection (TAAD). Also called: Thoracic aortic aneurysms and dissections. Identifiers: Orphanet 91387, MedGen C4707243, MONDO:0019625.
HYPERHOMOCYSTEINEMIA, THROMBOTIC, CBS-RELATED. Identifiers: MedGen C3150344, OMIM 236200.

Allele frequency attached by ClinVar (database versions not stated): gnomAD exomes 0.00002.

Submissions (4):

Ambry Genetics
Classification: Uncertain significance for Familial thoracic aortic aneurysm and aortic dissection. Last evaluated: 2025-08-11. Review status: criteria provided, single submitter. Criteria: Ambry Variant Classification Scheme 2023. Collection method: clinical testing. Allele origin: germline.
Comment: The p.V448M variant (also known as c.1342G>A), located in coding exon 12 of the CBS gene, results from a G to A substitution at nucleotide position 1342. The valine at codon 448 is replaced by methionine, an amino acid with highly similar properties. This amino acid position is conserved. In addition, this alteration is predicted to be deleterious by in silico analysis. Since supporting evidence is limited at this time, the clinical significance of this alteration remains unclear.

Labcorp Genetics (formerly Invitae), Labcorp
Classification: Uncertain significance for HYPERHOMOCYSTEINEMIA, THROMBOTIC, CBS-RELATED. Last evaluated: 2024-11-05. Review status: criteria provided, single submitter. Criteria: Invitae Variant Classification Sherloc (09022015). Collection method: clinical testing. Allele origin: germline.
Comment: This sequence change replaces valine, which is neutral and non-polar, with methionine, which is neutral and non-polar, at codon 448 of the CBS protein (p.Val448Met). The frequency data for this variant in the population databases is considered unreliable, as metrics indicate poor data quality at this position in the gnomAD database. This variant has not been reported in the literature in individuals affected with CBS-related conditions. ClinVar contains an entry for this variant (Variation ID: 426115). Invitae Evidence Modeling of protein sequence and biophysical properties (such as structural, functional, and spatial information, amino acid conservation, physicochemical variation, residue mobility, and thermodynamic stability) indicates that this missense variant is expected to disrupt CBS protein function with a positive predictive value of 95%. In summary, the available evidence is currently insufficient to determine the role of this variant in disease. Therefore, it has been classified as a Variant of Uncertain Significance.

GeneDx
Classification: Uncertain significance. Last evaluated: 2021-03-10. Review status: criteria provided, single submitter. Criteria: GeneDx Variant Classification Process June 2021. Collection method: clinical testing. Allele origin: germline. Affected: yes.
Comment: Not observed at a significant frequency in large population cohorts (Lek et al., 2016); In silico analysis supports that this missense variant has a deleterious effect on protein structure/function; Has not been previously published as pathogenic or benign to our knowledge

Natera, Inc.
Classification: Uncertain significance for Homocystinuria due to cystathionine beta-synthase deficiency. Last evaluated: 2020-01-08. Review status: no assertion criteria provided. Collection method: clinical testing. Allele origin: germline. Not counted in ClinVar's aggregate classification.

NM_000071.3(CBS):c.1342G>A (p.Val448Met)

Gene: CBS (cystathionine beta-synthase; minus strand). Cytogenetic location: 21q22.3.
Variant type: single nucleotide variant.
Coding change: c.1342G>A on transcript NM_000071.3 (MANE Select); coding-DNA position 1342, G replaced by A.
Protein change: p.Val448Met; replaces valine 448 with methionine.
Molecular consequence: missense variant.
Genome position (GRCh38, 1-based): chr21:43,058,850, C>T on the plus strand (G>A on the coding strand, the complement: CBS is on the minus strand). VCF-style: chr21-43058850-C-T. GRCh37 (hg19) VCF-style: chr21-44478960-C-T.
Other names: c.1342G>A, p.Val448Met (NM_001178008.3, NM_001178009.3, NM_001320298.2); c.1027G>A, p.Val343Met (NM_001321072.1); short protein forms V448M, V343M.
Identifiers: ClinVar variation 426115 (VCV000426115.10), dbSNP rs865989946, ClinGen allele CA321687971.